The following is an entry in ClinVar:

NM_005559.4(LAMA1):c.3223G>A (p.Asp1075Asn)

Gene: LAMA1 (laminin subunit alpha 1; minus strand). Cytogenetic location: 18p11.31.
Variant type: single nucleotide variant.
Coding change: c.3223G>A on transcript NM_005559.4 (MANE Select); coding-DNA position 3223, G replaced by A.
Protein change: p.Asp1075Asn; replaces aspartic acid 1075 with asparagine.
Molecular consequence: missense variant.
Genome position (GRCh38, 1-based): chr18:7,013,955, C>T on the plus strand (G>A on the coding strand, the complement: LAMA1 is on the minus strand). VCF-style: chr18-7013955-C-T. GRCh37 (hg19) VCF-style: chr18-7013954-C-T.
Other names: short protein forms D1075N.
Identifiers: ClinVar variation 3372039 (VCV003372039.2).

ClinVar aggregate classification (germline): Uncertain significance. Review status: criteria provided, multiple submitters, no conflicts (2 of 4 stars). 2 submissions from 2 submitters: Uncertain significance (2). Last evaluated 2025-04-25.

Conditions:
Inborn genetic diseases. Identifiers: MedGen C0950123, MeSH D030342.

gnomAD v4.1: 35 of 1,613,786 alleles (0.0022%); highest among the groups gnomAD compares: East Asian, 0.0089%; no homozygotes.

Submissions (2):

Ambry Genetics
Classification: Uncertain significance for Inborn genetic diseases. Last evaluated: 2025-04-25. Review status: criteria provided, single submitter. Criteria: Ambry Variant Classification Scheme 2023. Collection method: clinical testing. Allele origin: germline.

GeneDx
Classification: Uncertain significance. Last evaluated: 2024-04-11. Review status: criteria provided, single submitter. Criteria: GeneDx Variant Classification Process June 2021. Collection method: clinical testing. Allele origin: germline. Affected: yes.
Comment: In silico analysis indicates that this missense variant does not alter protein structure/function; Has not been previously published as pathogenic or benign to our knowledge